The following is an entry in ClinVar:

ClinVar aggregate classification (germline): Conflicting classifications of pathogenicity. Review status: criteria provided, conflicting classifications (1 of 4 stars). 6 submissions from 6 submitters: Uncertain significance (2); Likely benign (3). 1 of the submissions does not count toward it. Last evaluated 2025-11-16.

Conditions:
Menkes kinky-hair syndrome (MNK). Also called: Classic Menkes Disease; Menkes Disease; Copper transport disease. Identifiers: Orphanet 565, MedGen C0022716, MONDO:0010651, OMIM 309400.
Cutis laxa, X-linked (OHS). Also called: EDS IX; Occipital horn syndrome. Identifiers: Orphanet 198, MedGen C0268353, MONDO:0010572, OMIM 304150.
X-linked distal spinal muscular atrophy type 3. Also called: SPINAL MUSCULAR ATROPHY, DISTAL, X-LINKED RECESSIVE; ATP7A-Related Distal Motor Neuropathy; NEURONOPATHY, DISTAL HEREDITARY MOTOR, X-LINKED; NEUROPATHY, DISTAL HEREDITARY MOTOR, X-LINKED. Identifiers: Orphanet 139557, MedGen C1845359, MONDO:0010338, OMIM 300489.
Inborn genetic diseases. Identifiers: MedGen C0950123, MeSH D030342.

Allele frequency attached by ClinVar (database versions not stated): gnomAD exomes 0.00001 and 0.00003; TOPMed 0.00002; ExAC 0.00003; gnomAD 0.00003.
gnomAD v4.1: 15 of 1,209,929 alleles (0.0012%); highest among the groups gnomAD compares: Non-Finnish European, 0.0017%; no homozygotes.

Submissions (6):

Labcorp Genetics (formerly Invitae), Labcorp
Classification: Likely benign for X-linked distal spinal muscular atrophy type 3; Cutis laxa, X-linked; Menkes kinky-hair syndrome. Last evaluated: 2025-11-16. Review status: criteria provided, single submitter. Criteria: Invitae Variant Classification Sherloc (09022015). Collection method: clinical testing. Allele origin: germline.

CeGaT Center for Human Genetics Tuebingen
Classification: Likely benign. Last evaluated: 2025-09-01. Review status: criteria provided, single submitter. Criteria: CeGaT Center For Human Genetics Tuebingen Variant Classification Criteria Version 2. Collection method: clinical testing. Allele origin: germline. Affected: yes. Observed: 2 variant alleles.
Comment: ATP7A: BS2

Blueprint Genetics
Classification: Likely benign. Last evaluated: 2024-09-03. Review status: criteria provided, single submitter. Criteria: ACMG Guidelines, 2015. Collection method: clinical testing. Allele origin: germline.

MVZ Martinsried, Medicover Genetics
Classification: Uncertain significance for X-linked distal spinal muscular atrophy type 3. Last evaluated: 2022-08-11. Review status: criteria provided, single submitter. Criteria: ACGS Guidelines, 2020. Collection method: clinical testing. Allele origin: unknown. Affected: yes.

Ambry Genetics
Classification: Uncertain significance for Inborn genetic diseases. Last evaluated: 2021-01-20. Review status: criteria provided, single submitter. Criteria: Ambry Variant Classification Scheme 2023. Collection method: clinical testing. Allele origin: germline.

Natera, Inc.
Classification: Likely benign for Menkes kinky hair syndrome. Last evaluated: 2020-01-05. Review status: no assertion criteria provided. Collection method: clinical testing. Allele origin: germline. Not counted in ClinVar's aggregate classification.

NM_000052.7(ATP7A):c.1427C>T (p.Thr476Ile)

Gene: ATP7A (ATPase copper transporting alpha; plus strand). Cytogenetic location: Xq21.1.
Variant type: single nucleotide variant.
Coding change: c.1427C>T on transcript NM_000052.7 (MANE Select); coding-DNA position 1427, C replaced by T.
Protein change: p.Thr476Ile; replaces threonine 476 with isoleucine.
Molecular consequence: missense variant.
Genome position (GRCh38, 1-based): chrX:77,998,568, C>T. VCF-style: chrX-77998568-C-T. GRCh37 (hg19) VCF-style: chrX-77254065-C-T.
Other names: c.1427C>T (NM_000052.4); c.1427C>T, p.Thr476Ile (NM_001282224.2); short protein forms T476I.
Identifiers: ClinVar variation 772930 (VCV000772930.39), dbSNP rs782702847, ClinGen allele CA10459049.
Genomic context (GRCh38, chrX:77,998,568, plus strand): 5'-AGCCTTCATCGGAAATGCCGCTTTTGACTTCAACTAATGAATTTTATACTAAAGGGATGA[C>T]ACCAGTTCAAGACAAGGAGGAAGGAAAGAATTCATCTAAGTGTTACATACAGGTCACTGG-3'
Protein context (NP_000043.4, residues 466-486): STNEFYTKGM[Thr476Ile]PVQDKEEGKN